The following is an entry in ClinVar:

ClinVar aggregate classification (germline): Uncertain significance. Review status: criteria provided, multiple submitters, no conflicts (2 of 4 stars). 3 submissions from 3 submitters: Uncertain significance (3). Last evaluated 2024-08-26.

Conditions:
Inborn genetic diseases. Identifiers: MedGen C0950123, MeSH D030342.

Allele frequency attached by ClinVar (database versions not stated): gnomAD 0.00001 and 0.00003; TOPMed 0.00001; gnomAD exomes 0.00003 and 0.00008; ExAC 0.00011.
gnomAD v4.1: 50 of 1,613,376 alleles (0.0031%); highest among the groups gnomAD compares: South Asian, 0.035%; no homozygotes.

Submissions (3):

Ambry Genetics
Classification: Uncertain significance for Inborn genetic diseases. Last evaluated: 2024-08-26. Review status: criteria provided, single submitter. Criteria: Ambry Variant Classification Scheme 2023. Collection method: clinical testing. Allele origin: germline.

Labcorp Genetics (formerly Invitae), Labcorp
Classification: Uncertain significance. Last evaluated: 2022-09-01. Review status: criteria provided, single submitter. Criteria: Invitae Variant Classification Sherloc (09022015). Collection method: clinical testing. Allele origin: germline.
Comment: This sequence change replaces isoleucine, which is neutral and non-polar, with methionine, which is neutral and non-polar, at codon 503 of the CEP152 protein (p.Ile503Met). This variant is present in population databases (rs748603785, gnomAD 0.06%). This variant has not been reported in the literature in individuals affected with CEP152-related conditions. ClinVar contains an entry for this variant (Variation ID: 420350). Algorithms developed to predict the effect of missense changes on protein structure and function (SIFT, PolyPhen-2, Align-GVGD) all suggest that this variant is likely to be tolerated. In summary, the available evidence is currently insufficient to determine the role of this variant in disease. Therefore, it has been classified as a Variant of Uncertain Significance.

GeneDx
Classification: Uncertain significance. Last evaluated: 2016-01-19. Review status: criteria provided, single submitter. Criteria: GeneDx Variant Classification (06012015). Collection method: clinical testing. Allele origin: germline. Affected: yes.
Comment: A variant of uncertain significance has been identified in the CEP152 gene. The I503M variant has not been published as a pathogenic variant, nor has it been reported as a benign variant to our knowledge. It was not observed in approximately 5,900 individuals of European and African American ancestry in the NHLBI Exome Sequencing Project, indicating it is not a common benign variant in these populations. The I503M variant is a conservative amino acid substitution, which is not likely to impact secondary protein structure as these residues share similar properties. This substitution occurs at a position that is not conserved, and in silico analysis predicts the I503M variant likely does not alter the protein structure/function. Based on the currently available information, it is unclear whether this variant is a pathogenic variant or a rare benign variant.

NM_001194998.2(CEP152):c.1509A>G (p.Ile503Met)

Gene: CEP152 (centrosomal protein 152; minus strand). Cytogenetic location: 15q21.1.
Variant type: single nucleotide variant.
Coding change: c.1509A>G on transcript NM_001194998.2 (MANE Select); coding-DNA position 1509, A replaced by G.
Protein change: p.Ile503Met; replaces isoleucine 503 with methionine.
Molecular consequence: missense variant.
Genome position (GRCh38, 1-based): chr15:48,781,264, T>C on the plus strand (A>G on the coding strand, the complement: CEP152 is on the minus strand). VCF-style: chr15-48781264-T-C. GRCh37 (hg19) VCF-style: chr15-49073461-T-C.
Other names: c.1509A>G, p.Ile503Met (NM_014985.4); short protein forms I503M.
Identifiers: ClinVar variation 420350 (VCV000420350.5), dbSNP rs748603785, ClinGen allele CA7548823.